The following is an entry in ClinVar:

NM_000051.4(ATM):c.1227T>C (p.Leu409=)

Gene: ATM (ATM serine/threonine kinase; plus strand). Cytogenetic location: 11q22.3.
Variant type: single nucleotide variant.
Coding change: c.1227T>C on transcript NM_000051.4 (MANE Select); coding-DNA position 1227, T replaced by C.
Protein change: p.Leu409=; no amino-acid change (leucine 409 retained).
Molecular consequence: synonymous variant.
Genome position (GRCh38, 1-based): chr11:108,249,094, T>C. VCF-style: chr11-108249094-T-C. GRCh37 (hg19) VCF-style: chr11-108119821-T-C.
Other names: c.1227T>C, p.Leu409= (NM_001351834.2).
Identifiers: ClinVar variation 414546 (VCV000414546.42), dbSNP rs1060504273, ClinGen allele CA16613316.

ClinVar aggregate classification (germline): Conflicting classifications of pathogenicity. Review status: criteria provided, conflicting classifications (1 of 4 stars). 6 submissions from 6 submitters: Uncertain significance (1); Benign (1); Likely benign (4). Last evaluated 2025-12-31.

Conditions:
Hereditary cancer-predisposing syndrome. Also called: Tumor predisposition; Hereditary neoplastic syndrome; Hereditary Cancer Syndrome; Neoplastic Syndromes, Hereditary. Identifiers: Orphanet 140162, MedGen C0027672, MeSH D009386, MONDO:0015356.
Ataxia-telangiectasia syndrome (AT). Also called: LOUIS-BAR SYNDROME; Ataxia-telangiectasia, complementation group E; Ataxia telangiectasia (A-T); Cerebello-oculocutaneous telangiectasia; Immunodeficiency with ataxia telangiectasia; Ataxia-telangiectasia, complementation group D. Identifiers: Orphanet 100, MedGen C0004135, MONDO:0008840, OMIM 208900.
Familial cancer of breast. Also called: hereditary breast carcinoma; BREAST CANCER, FAMILIAL; Hereditary breast cancer. Identifiers: Orphanet 227535, MedGen C0346153, MONDO:0016419, OMIM 114480. Disease mechanism: loss of function.

Submissions (6):

Labcorp Genetics (formerly Invitae), Labcorp
Classification: Likely benign for Ataxia-telangiectasia syndrome. Last evaluated: 2025-12-31. Review status: criteria provided, single submitter. Criteria: Invitae Variant Classification Sherloc (09022015). Collection method: clinical testing. Allele origin: germline.

Color Diagnostics, LLC DBA Color Health
Classification: Likely benign for Hereditary cancer-predisposing syndrome. Last evaluated: 2024-11-13. Review status: criteria provided, single submitter. Criteria: ACMG Guidelines, 2015. Collection method: clinical testing. Allele origin: germline.

Myriad Genetics, Inc.
Classification: Benign for Familial cancer of breast. Last evaluated: 2024-04-25. Review status: criteria provided, single submitter. Criteria: Myriad Autosomal Dominant, Autosomal Recessive and X-Linked Classification Criteria (2023). Collection method: clinical testing. Allele origin: unknown.
Comment: This variant is considered benign. This variant is a silent/synonymous amino acid change and it is not expected to impact splicing.

CeGaT Center for Human Genetics Tuebingen
Classification: Likely benign. Last evaluated: 2023-09-01. Review status: criteria provided, single submitter. Criteria: CeGaT Center For Human Genetics Tuebingen Variant Classification Criteria Version 2. Collection method: clinical testing. Allele origin: germline. Affected: yes. Observed: 1 variant allele.
Comment: ATM: PM2:Supporting, BP4, BP7

GeneDx
Classification: Uncertain significance. Last evaluated: 2017-01-18. Review status: criteria provided, single submitter. Criteria: GeneDx Variant Classification (06012015). Collection method: clinical testing. Allele origin: germline. Affected: yes.
Comment: This variant is denoted ATM c.1227T>C at the DNA level. This variant is silent at the coding level, preserving a Leucine at codon 409. This variant has not, to our knowledge, been published in the literature as pathogenic or benign. In silico splicing models are uninformative; therefore, in the absence of RNA or functional studies, the actual effect of this variant is unknown. ATM c.1227T>C was not observed in approximately 6,500 individuals of European and African American ancestry in the NHLBI Exome Sequencing Project, indicating it is not a common benign variant in these populations. The nucleotide which is altered, a thymine (T) at base 1227, is conserved in mammals. Based on currently available information, it is unclear whether ATM c.1227T>C is a pathogenic or benign variant. We consider it to be a variant of uncertain significance.

Ambry Genetics
Classification: Likely benign for Hereditary cancer-predisposing syndrome. Last evaluated: 2016-04-21. Review status: criteria provided, single submitter. Criteria: Ambry Variant Classification Scheme 2023. Collection method: clinical testing. Allele origin: germline.